The following is an entry in ClinVar:

ClinVar aggregate classification (germline): Likely benign (1 of 4 stars; one submission).

Submission:

CeGaT Center for Human Genetics Tuebingen
Classification: Likely benign. Last evaluated: 2025-03-01. Review status: criteria provided, single submitter. Criteria: CeGaT Center For Human Genetics Tuebingen Variant Classification Criteria Version 2. Collection method: clinical testing. Allele origin: germline. Affected: yes. Observed: 1 variant allele.
Comment: WDR81: PM2:Supporting, BP4, BP7

NM_001163809.2(WDR81):c.3198C>T (p.Asp1066=)

Gene: WDR81 (WD repeat domain 81; plus strand). Cytogenetic location: 17p13.3.
Variant type: single nucleotide variant.
Coding change: c.3198C>T on transcript NM_001163809.2 (MANE Select); coding-DNA position 3198, C replaced by T.
Protein change: p.Asp1066=; no amino-acid change (aspartic acid 1066 retained).
Molecular consequence: synonymous variant. On other transcripts: intron variant (2).
Genome position (GRCh38, 1-based): chr17:1,728,157, C>T. VCF-style: chr17-1728157-C-T. GRCh37 (hg19) VCF-style: chr17-1631451-C-T.
Other names: c.45C>T, p.Asp15= (NM_152348.4); c.59-2223C>T (NM_001163673.2); c.-14-2223C>T (NM_001163811.2).
Identifiers: ClinVar variation 3778472 (VCV003778472.7).
Genomic context (GRCh38, chr17:1,728,157, plus strand): 5'-TGGGGAGGAGATTCCCATGGATGGGGAGCCTCCTGCCTCCTCGGGCCTGGGGCTCCCAGA[C>T]TACACGTCTGGCGTCAGCTTCCACGACCAGGCTGACCTCCCTGAGACAGAGGACTTCCAA-3'
Protein context (NP_001157281.1, residues 1056-1076): PPASSGLGLP[Asp1066=]YTSGVSFHDQ